The following is an entry in ClinVar:

ClinVar aggregate classification (germline): Pathogenic (1 of 4 stars; one submission).

Submission:

Labcorp Genetics (formerly Invitae), Labcorp
Classification: Pathogenic. Last evaluated: 2023-09-08. Review status: criteria provided, single submitter. Criteria: Invitae Variant Classification Sherloc (09022015). Collection method: clinical testing. Allele origin: unknown.
Comment: A gross deletion of the genomic region encompassing the full coding sequence of the SKIV2L gene has been identified. Loss-of-function variants in SKIV2L are known to be pathogenic (PMID: 22444670). The boundaries of this event are unknown as they extend beyond the assayed region for this gene and therefore may encompass additional genes. This variant has not been reported in the literature in individuals affected with SKIV2L-related conditions. For these reasons, this variant has been classified as Pathogenic.

Literature cited by the submitters: PubMed 22444670.

NC_000006.11:g.(?_31926970)_(31937492_?)del

Gene: SKIC2 (SKI2 subunit of superkiller complex; plus strand). Cytogenetic location: 6p21.33.
Variant type: Deletion.
Identifiers: ClinVar variation 3246209 (VCV003246209.1).